The following is an entry in ClinVar:

ClinVar aggregate classification (germline): Likely benign. Review status: criteria provided, multiple submitters, no conflicts (2 of 4 stars). 3 submissions from 3 submitters: Likely benign (2). 1 of the submissions does not count toward it. Last evaluated 2026-07-01.

Conditions:
HERC2-related disorder. Also called: HERC2-related condition.

gnomAD v4.1: 923 of 1,614,124 alleles (0.057%); highest among the groups gnomAD compares: African/African-American, 1.1%; 2 homozygotes.

Submissions (3):

CeGaT Center for Human Genetics Tuebingen
Classification: Likely benign. Last evaluated: 2026-07-01. Review status: criteria provided, single submitter. Criteria: CeGaT Center For Human Genetics Tuebingen Variant Classification Criteria Version 2. Collection method: clinical testing. Allele origin: germline. Affected: yes. Observed: 3 variant alleles.
Comment: HERC2: BP4, BP7, BS1

Blueprint Genetics
Classification: Likely benign. Last evaluated: 2023-12-14. Review status: criteria provided, single submitter. Criteria: ACMG Guidelines, 2015. Collection method: clinical testing. Allele origin: germline.

PreventionGenetics, part of Exact Sciences
Classification: Benign for HERC2-related condition. Last evaluated: 2024-08-22. Review status: no assertion criteria provided. Collection method: clinical testing. Allele origin: germline. Not counted in ClinVar's aggregate classification.
Comment: This variant is classified as benign based on ACMG/AMP sequence variant interpretation guidelines (Richards et al. 2015 PMID: 25741868, with internal and published modifications).

NM_004667.6(HERC2):c.13998C>T (p.Thr4666=)

Gene: HERC2 (HECT and RLD domain containing E3 ubiquitin protein ligase 2; minus strand). Cytogenetic location: 15q13.1.
Variant type: single nucleotide variant.
Coding change: c.13998C>T on transcript NM_004667.6 (MANE Select); coding-DNA position 13998, C replaced by T.
Protein change: p.Thr4666=; no amino-acid change (threonine 4666 retained).
Molecular consequence: synonymous variant.
Genome position (GRCh38, 1-based): chr15:28,113,594, G>A on the plus strand (C>T on the coding strand, the complement: HERC2 is on the minus strand). VCF-style: chr15-28113594-G-A. GRCh37 (hg19) VCF-style: chr15-28358740-G-A.
Identifiers: ClinVar variation 3358737 (VCV003358737.6).
Genomic context (GRCh38, chr15:28,113,594, plus strand): 5'-AGGCAGCTGCAGGGCAGCCCCACCTGGGGGTCGGCATACCATCGTCTCCAGTTCGTAGCC[G>A]GTGAACAGAGAGAGGAGGGGAACAGGCACAACGCGGGCCATTCCTTCCCGAACAGCAGCC-3'
Protein context (NP_004658.3, residues 4656-4676): VVPVPLLSLF[Thr4666=]GYELETMVCG